The following is an entry in ClinVar:

NM_001252024.2(TRPM1):c.1129A>G (p.Ile377Val)

Gene: TRPM1 (transient receptor potential cation channel subfamily M member 1; minus strand). Cytogenetic location: 15q13.3.
Variant type: single nucleotide variant.
Coding change: c.1129A>G on transcript NM_001252024.2 (MANE Select); coding-DNA position 1129, A replaced by G.
Protein change: p.Ile377Val; replaces isoleucine 377 with valine.
Molecular consequence: missense variant.
Genome position (GRCh38, 1-based): chr15:31,061,475, T>C on the plus strand (A>G on the coding strand, the complement: TRPM1 is on the minus strand). VCF-style: chr15-31061475-T-C. GRCh37 (hg19) VCF-style: chr15-31353678-T-C.
Other names: c.1180A>G, p.Ile394Val (NM_001252020.2); c.1063A>G, p.Ile355Val (NM_002420.6); short protein forms I394V, I377V, I355V.
Identifiers: ClinVar variation 1381293 (VCV001381293.6), dbSNP rs1301475203, ClinGen allele CA391523382.

ClinVar aggregate classification (germline): Uncertain significance (1 of 4 stars; one submission).

Allele frequency attached by ClinVar (database versions not stated): TOPMed below 0.00001.
gnomAD v4.1: 2 of 1,614,192 alleles (0.00012%); highest among the groups gnomAD compares: Non-Finnish European, 0.00017%; no homozygotes.

Submission:

Labcorp Genetics (formerly Invitae), Labcorp
Classification: Uncertain significance. Last evaluated: 2025-03-17. Review status: criteria provided, single submitter. Criteria: Invitae Variant Classification Sherloc (09022015). Collection method: clinical testing. Allele origin: germline.
Comment: This sequence change replaces isoleucine, which is neutral and non-polar, with valine, which is neutral and non-polar, at codon 355 of the TRPM1 protein (p.Ile355Val). This variant is not present in population databases (gnomAD no frequency). This variant has not been reported in the literature in individuals affected with TRPM1-related conditions. ClinVar contains an entry for this variant (Variation ID: 1381293). Invitae Evidence Modeling of protein sequence and biophysical properties (such as structural, functional, and spatial information, amino acid conservation, physicochemical variation, residue mobility, and thermodynamic stability) indicates that this missense variant is not expected to disrupt TRPM1 protein function with a negative predictive value of 95%. In summary, the available evidence is currently insufficient to determine the role of this variant in disease. Therefore, it has been classified as a Variant of Uncertain Significance.